The following is an entry in ClinVar:

ClinVar aggregate classification (germline): Uncertain significance (1 of 4 stars; one submission).

Allele frequency attached by ClinVar (database versions not stated): gnomAD 0.00001; TOPMed 0.00002.

Submission:

Labcorp Genetics (formerly Invitae), Labcorp
Classification: Uncertain significance. Last evaluated: 2022-11-02. Review status: criteria provided, single submitter. Criteria: Invitae Variant Classification Sherloc (09022015). Collection method: clinical testing. Allele origin: germline.
Comment: In summary, the available evidence is currently insufficient to determine the role of this variant in disease. Therefore, it has been classified as a Variant of Uncertain Significance. Algorithms developed to predict the effect of missense changes on protein structure and function (SIFT, PolyPhen-2, Align-GVGD) all suggest that this variant is likely to be tolerated. This variant has not been reported in the literature in individuals affected with ERBB2-related conditions. This variant is not present in population databases (gnomAD no frequency). This sequence change replaces methionine, which is neutral and non-polar, with leucine, which is neutral and non-polar, at codon 31 of the ERBB2 protein (p.Met31Leu).

NM_004448.4(ERBB2):c.91A>T (p.Met31Leu)

Gene: ERBB2 (erb-b2 receptor tyrosine kinase 2; plus strand). Cytogenetic location: 17q12.
Variant type: single nucleotide variant.
Coding change: c.91A>T on transcript NM_004448.4 (MANE Select); coding-DNA position 91, A replaced by T.
Protein change: p.Met31Leu; replaces methionine 31 with leucine.
Molecular consequence: missense variant. On other transcripts: initiator codon variant (4), non-coding transcript variant (1), intron variant (1).
Genome position (GRCh38, 1-based): chr17:39,707,007, A>T. VCF-style: chr17-39707007-A-T. GRCh37 (hg19) VCF-style: chr17-37863260-A-T.
Other names: c.1A>T, p.Met1Leu (NM_001005862.3, NM_001289938.2, NM_001382782.1 and 1 more transcripts); c.46A>T, p.Met16Leu (NM_001289936.2); c.91A>T, p.Met31Leu (NM_001289937.2, NM_001382784.1, NM_001382785.1 and 20 more transcripts); c.74-4921A>T (NM_001382804.1); short protein forms M1L, M16L, M31L.
Identifiers: ClinVar variation 2887394 (VCV002887394.3), dbSNP rs998740859, ClinGen allele CA290422442.